The following is an entry in ClinVar:

NM_000059.4(BRCA2):c.7664A>G (p.Lys2555Arg)

Gene: BRCA2 (BRCA2 DNA repair associated; plus strand). Cytogenetic location: 13q13.1.
Variant type: single nucleotide variant.
Coding change: c.7664A>G on transcript NM_000059.4 (MANE Select); coding-DNA position 7664, A replaced by G.
Protein change: p.Lys2555Arg; replaces lysine 2555 with arginine.
Molecular consequence: missense variant.
Genome position (GRCh38, 1-based): chr13:32,357,788, A>G. VCF-style: chr13-32357788-A-G. GRCh37 (hg19) VCF-style: chr13-32931925-A-G.
Other names: short protein forms K2555R.
Identifiers: ClinVar variation 956402 (VCV000956402.11), dbSNP rs2072708691, ClinGen allele CA387745008.

ClinVar aggregate classification (germline): Conflicting classifications of pathogenicity. Review status: criteria provided, conflicting classifications (1 of 4 stars). 2 submissions from 2 submitters: Uncertain significance (1); Likely benign (1). Last evaluated 2025-07-23.

Conditions:
Hereditary breast ovarian cancer syndrome. Also called: Hereditary breast and ovarian cancer; Hereditary breast and/or ovarian cancer syndrome; Hereditary breast and ovarian cancer syndrome; Hereditary breast and ovarian cancer syndrome (HBOC); Breast and ovarian cancer; BRCA1- and BRCA2-Associated Hereditary Breast and Ovarian Cancer. Identifiers: Orphanet 145, MedGen C0677776, MeSH D061325, MONDO:0003582. Disease mechanism: loss of function.
Hereditary cancer-predisposing syndrome. Also called: Hereditary neoplastic syndrome; Tumor predisposition; Neoplastic Syndromes, Hereditary; Hereditary Cancer Syndrome. Identifiers: Orphanet 140162, MedGen C0027672, MeSH D009386, MONDO:0015356.

Allele frequency attached by ClinVar (database versions not stated): gnomAD 0.00001.

Submissions (2):

Ambry Genetics
Classification: Likely benign for Hereditary cancer-predisposing syndrome. Last evaluated: 2025-07-23. Review status: criteria provided, single submitter. Criteria: Ambry Variant Classification Scheme 2023. Collection method: clinical testing. Allele origin: germline.

Labcorp Genetics (formerly Invitae), Labcorp
Classification: Uncertain significance for Hereditary breast ovarian cancer syndrome. Last evaluated: 2022-09-01. Review status: criteria provided, single submitter. Criteria: Invitae Variant Classification Sherloc (09022015). Collection method: clinical testing. Allele origin: germline.
Comment: This variant has not been reported in the literature in individuals affected with BRCA2-related conditions. This variant is not present in population databases (gnomAD no frequency). This sequence change replaces lysine, which is basic and polar, with arginine, which is basic and polar, at codon 2555 of the BRCA2 protein (p.Lys2555Arg). ClinVar contains an entry for this variant (Variation ID: 956402). In summary, the available evidence is currently insufficient to determine the role of this variant in disease. Therefore, it has been classified as a Variant of Uncertain Significance. Algorithms developed to predict the effect of sequence changes on RNA splicing suggest that this variant may create or strengthen a splice site. Algorithms developed to predict the effect of missense changes on protein structure and function output the following: SIFT: "Tolerated"; PolyPhen-2: "Benign"; Align-GVGD: "Class C0". The arginine amino acid residue is found in multiple mammalian species, which suggests that this missense change does not adversely affect protein function.

Literature cited by the submitters: PubMed 39779848 (cited by Ambry Genetics); PubMed 39779857 (cited by Ambry Genetics).